The following is an entry in ClinVar:

ClinVar aggregate classification (germline): Uncertain significance (1 of 4 stars; one submission).

Conditions:
Hereditary cancer-predisposing syndrome. Also called: Neoplastic Syndromes, Hereditary; Tumor predisposition; Hereditary Cancer Syndrome; Hereditary neoplastic syndrome. Identifiers: Orphanet 140162, MedGen C0027672, MeSH D009386, MONDO:0015356.

Allele frequency attached by ClinVar (database versions not stated): TOPMed below 0.00001; gnomAD 0.00001.
gnomAD v4.1: 1 of 1,613,906 alleles (0.000062%); highest among the groups gnomAD compares: Non-Finnish European, 0.000085%; no homozygotes.

Submission:

Ambry Genetics
Classification: Uncertain significance for Hereditary cancer-predisposing syndrome. Last evaluated: 2022-09-17. Review status: criteria provided, single submitter. Criteria: Ambry Variant Classification Scheme 2023. Collection method: clinical testing. Allele origin: germline.
Comment: The p.P68L variant (also known as c.203C>T), located in coding exon 2 of the POLE gene, results from a C to T substitution at nucleotide position 203. The proline at codon 68 is replaced by leucine, an amino acid with similar properties. This amino acid position is conserved. In addition, the in silico prediction for this alteration is inconclusive. Since supporting evidence is limited at this time, the clinical significance of this alteration remains unclear.

NM_006231.4(POLE):c.203C>T (p.Pro68Leu)

Gene: POLE (DNA polymerase epsilon, catalytic subunit; minus strand). Cytogenetic location: 12q24.33.
Variant type: single nucleotide variant.
Coding change: c.203C>T on transcript NM_006231.4 (MANE Select); coding-DNA position 203, C replaced by T.
Protein change: p.Pro68Leu; replaces proline 68 with leucine.
Molecular consequence: missense variant.
Genome position (GRCh38, 1-based): chr12:132,681,139, G>A on the plus strand (C>T on the coding strand, the complement: POLE is on the minus strand). VCF-style: chr12-132681139-G-A. GRCh37 (hg19) VCF-style: chr12-133257725-G-A.
Other names: short protein forms P68L.
Identifiers: ClinVar variation 1784868 (VCV001784868.2), dbSNP rs1337899469, ClinGen allele CA387369586.